The following is an entry in ClinVar:

ClinVar aggregate classification (germline): Likely benign. Review status: criteria provided, multiple submitters, no conflicts (2 of 4 stars). 2 submissions from 2 submitters: Likely benign (2). Last evaluated 2025-03-23.

Conditions:
Long QT syndrome (LQTS). Identifiers: MedGen C0023976, MeSH D008133, MONDO:0002442. Disease mechanism: loss of function. Inheritance: Various modes of inheritance.

Allele frequency attached by ClinVar (database versions not stated): gnomAD 0.00002; gnomAD exomes 0.00002 and 0.00004; TOPMed 0.00002; ExAC 0.00003; ESP Exome Variant Server 0.00008.

Submissions (2):

Labcorp Genetics (formerly Invitae), Labcorp
Classification: Likely benign for Long QT syndrome. Last evaluated: 2025-03-23. Review status: criteria provided, single submitter. Criteria: Invitae Variant Classification Sherloc (09022015). Collection method: clinical testing. Allele origin: germline.

GeneDx
Classification: Likely benign. Last evaluated: 2017-06-02. Review status: criteria provided, single submitter. Criteria: GeneDx Variant Classification (06012015). Collection method: clinical testing. Allele origin: germline. Affected: yes.
Comment: This variant is considered likely benign or benign based on one or more of the following criteria: it is a conservative change, it occurs at a poorly conserved position in the protein, it is predicted to be benign by multiple in silico algorithms, and/or has population frequency not consistent with disease.

NM_000719.7(CACNA1C):c.5445-17dup

Genes: CACNA1C (calcium voltage-gated channel subunit alpha1 C; plus strand), CACNA1C-AS1 (CACNA1C antisense RNA 1; minus strand). Cytogenetic location: 12p13.33.
Variant type: Duplication.
Coding change: c.5445-17dup on transcript NM_000719.7 (MANE Select); 17 bases into the intron before coding-DNA position 5445, one base duplicated (C; older notation c.5445-17dupC).
Molecular consequence: intron variant.
Genome position (GRCh38, 1-based): chr12:2,682,533, C duplicated. VCF-style (leftmost placement, unchanged base first): chr12-2682532-T-TC. GRCh37 (hg19) VCF-style: chr12-2791698-T-TC.
Other names: c.5550-17dup (NM_001167624.3, NM_001129830.3); c.5445-17dup (NM_001167623.2, NM_001129840.2, NM_001129842.2 and 2 more transcripts); c.5625-17dup (NM_001167625.2); c.5694-17dup (NM_199460.4); c.5589-17dup (NM_001129827.2); c.5505-17dup (NM_001129832.2); c.5529-17dup (NM_001129831.2); c.5502-17dup (NM_001129833.2, NM_001129834.2, NM_001129835.2); and 7 more.
Identifiers: ClinVar variation 510008 (VCV000510008.6), dbSNP rs752372266, ClinGen allele CA6389862.